The following is an entry in ClinVar:

NM_014639.4(SKIC3):c.2686A>G (p.Met896Val)

Gene: SKIC3 (SKI3 subunit of superkiller complex; minus strand). Cytogenetic location: 5q15.
Variant type: single nucleotide variant.
Coding change: c.2686A>G on transcript NM_014639.4 (MANE Select); coding-DNA position 2686, A replaced by G.
Protein change: p.Met896Val; replaces methionine 896 with valine.
Molecular consequence: missense variant.
Genome position (GRCh38, 1-based): chr5:95,514,872, T>C on the plus strand (A>G on the coding strand, the complement: SKIC3 is on the minus strand). VCF-style: chr5-95514872-T-C. GRCh37 (hg19) VCF-style: chr5-94850576-T-C.
Other names: short protein forms M896V.
Identifiers: ClinVar variation 2024600 (VCV002024600.4), dbSNP rs2530749756, ClinGen allele CA360456231.

ClinVar aggregate classification (germline): Uncertain significance (1 of 4 stars; one submission).

Submission:

Labcorp Genetics (formerly Invitae), Labcorp
Classification: Uncertain significance. Last evaluated: 2022-08-19. Review status: criteria provided, single submitter. Criteria: Invitae Variant Classification Sherloc (09022015). Collection method: clinical testing. Allele origin: germline.
Comment: In summary, the available evidence is currently insufficient to determine the role of this variant in disease. Therefore, it has been classified as a Variant of Uncertain Significance. Algorithms developed to predict the effect of missense changes on protein structure and function (SIFT, PolyPhen-2, Align-GVGD) all suggest that this variant is likely to be tolerated. This variant has not been reported in the literature in individuals affected with TTC37-related conditions. This variant is not present in population databases (gnomAD no frequency). This sequence change replaces methionine, which is neutral and non-polar, with valine, which is neutral and non-polar, at codon 896 of the TTC37 protein (p.Met896Val).